The following is an entry in ClinVar:

ClinVar aggregate classification (germline): Likely pathogenic (1 of 4 stars; one submission).

Conditions:
Myopathy, proximal, and ophthalmoplegia (CMYO6). Also called: MYOPATHY WITH CONGENITAL JOINT CONTRACTURES, OPHTHALMOPLEGIA, AND RIMMED VACUOLES; INCLUSION BODY MYOPATHY 3, AUTOSOMAL DOMINANT; CONGENITAL MYOPATHY 6 WITH OPHTHALMOPLEGIA. Identifiers: Orphanet 363677, Orphanet 79091, MedGen C1854106, MONDO:0011577, OMIM 605637.

Submission:

Labcorp Genetics (formerly Invitae), Labcorp
Classification: Likely pathogenic for Myopathy, proximal, and ophthalmoplegia. Last evaluated: 2024-02-02. Review status: criteria provided, single submitter. Criteria: Invitae Variant Classification Sherloc (09022015). Collection method: clinical testing. Allele origin: germline.
Comment: This sequence change affects a donor splice site in intron 36 of the MYH2 gene. It is expected to disrupt RNA splicing. Variants that disrupt the donor or acceptor splice site typically lead to a loss of protein function (PMID: 16199547), and loss-of-function variants in MYH2 are known to be pathogenic (PMID: 20418530, 23388406, 24193343). This variant is not present in population databases (gnomAD no frequency). This variant has not been reported in the literature in individuals affected with MYH2-related conditions. Algorithms developed to predict the effect of sequence changes on RNA splicing suggest that this variant may disrupt the consensus splice site. In summary, the currently available evidence indicates that the variant is pathogenic, but additional data are needed to prove that conclusively. Therefore, this variant has been classified as Likely Pathogenic.

Literature cited by the submitters: PubMed 16199547; PubMed 20418530; PubMed 23388406; PubMed 24193343.

NM_017534.6(MYH2):c.5301+2T>G

Genes: MYH2 (myosin heavy chain 2; minus strand), MYHAS (myosin heavy chain gene cluster antisense RNA; plus strand). Cytogenetic location: 17p13.1.
Variant type: single nucleotide variant.
Coding change: c.5301+2T>G on transcript NM_017534.6 (MANE Select); the canonical splice donor site of the intron after coding-DNA position 5301, T replaced by G.
Molecular consequence: splice donor variant.
Genome position (GRCh38, 1-based): chr17:10,523,757, A>C on the plus strand (T>G on the coding strand, the complement: MYH2 is on the minus strand). VCF-style: chr17-10523757-A-C. GRCh37 (hg19) VCF-style: chr17-10427074-A-C.
Other names: c.5301+2T>G (NM_001100112.2).
Identifiers: ClinVar variation 3638488 (VCV003638488.2).